The following is an entry in ClinVar:

NM_001164508.2(NEB):c.13780C>T (p.Gln4594Ter)

Gene: NEB (nebulin; minus strand). Cytogenetic location: 2q23.3.
Variant type: single nucleotide variant.
Coding change: c.13780C>T on transcript NM_001164508.2 (MANE Select); coding-DNA position 13780, C replaced by T.
Protein change: p.Gln4594Ter; replaces glutamine 4594 with a stop codon.
Molecular consequence: nonsense. On other transcripts: intron variant (1).
Genome position (GRCh38, 1-based): chr2:151,600,450, G>A on the plus strand (C>T on the coding strand, the complement: NEB is on the minus strand). VCF-style: chr2-151600450-G-A. GRCh37 (hg19) VCF-style: chr2-152456964-G-A.
Other names: c.13780C>T, p.Gln4594Ter (NM_001164507.2, NM_001271208.2); c.11601+9359C>T (NM_004543.5); short protein forms Q4594*.
Identifiers: ClinVar variation 836763 (VCV000836763.10), dbSNP rs2097449114, ClinGen allele CA348768039.

ClinVar aggregate classification (germline): Pathogenic/Likely pathogenic. Review status: criteria provided, multiple submitters, no conflicts (2 of 4 stars). 2 submissions from 2 submitters: Pathogenic (1); Likely pathogenic (1). Last evaluated 2025-10-30.

Conditions:
Nemaline myopathy 2 (NEM2). Also called: Nemaline myopathy 2, autosomal recessive. Identifiers: MedGen C1850569, MONDO:0009725, OMIM 256030.

Submissions (2):

Natera, Inc.
Classification: Likely pathogenic for Nemaline myopathy type 2. Last evaluated: 2025-10-30. Review status: criteria provided, single submitter. Criteria: Natera Variant Classification Schema (03/2026). Collection method: clinical testing. Allele origin: germline.
Comment: The c.13780C>T variant in NEB is a nonsense variant predicted to introduce a stop codon at amino acid 4594. This variant is expected to result in nonsense mediated decay, truncation, or a dysfunctional protein product. This variant is rare in the general population with a frequency below the threshold expected for the associated phenotype(s). Given the available evidence, this variant is classified as Likely Pathogenic.

Labcorp Genetics (formerly Invitae), Labcorp
Classification: Pathogenic for Nemaline myopathy 2. Last evaluated: 2023-03-01. Review status: criteria provided, single submitter. Criteria: Invitae Variant Classification Sherloc (09022015). Collection method: clinical testing. Allele origin: germline.
Comment: This sequence change creates a premature translational stop signal (p.Gln4594*) in the NEB gene. It is expected to result in an absent or disrupted protein product. Loss-of-function variants in NEB are known to be pathogenic (PMID: 25205138). For these reasons, this variant has been classified as Pathogenic. ClinVar contains an entry for this variant (Variation ID: 836763). This variant has not been reported in the literature in individuals affected with NEB-related conditions. The frequency data for this variant in the population databases (gnomAD) is considered unreliable due to the presence of homologous sequence, such as pseudogenes or paralogs, in the genome. This variant occurs in a region of NEB (Exons 82-105) consisting of three highly homologous 8-exon repeat units (exons 82-89, exons 90-97, exons 98-105). Sequence variants in this region can be detected, but this assay cannot determine which of the three repeat units is affected, and zygosity is often ambiguous. All variants in this region are reported relative to the exon 82-89 repeat.

Literature cited by the submitters: PubMed 25205138 (cited by Labcorp Genetics (formerly Invitae), Labcorp).